The following is an entry in ClinVar:

ClinVar aggregate classification (germline): Uncertain significance (1 of 4 stars; one submission).

Submission:

Labcorp Genetics (formerly Invitae), Labcorp
Classification: Uncertain significance. Last evaluated: 2022-08-29. Review status: criteria provided, single submitter. Criteria: Invitae Variant Classification Sherloc (09022015). Collection method: clinical testing. Allele origin: germline.
Comment: In summary, the available evidence is currently insufficient to determine the role of this variant in disease. Therefore, it has been classified as a Variant of Uncertain Significance. Variants that disrupt the consensus splice site are a relatively common cause of aberrant splicing (PMID: 17576681, 9536098). Algorithms developed to predict the effect of sequence changes on RNA splicing suggest that this variant may disrupt the consensus splice site. This variant has not been reported in the literature in individuals affected with ABRAXAS1-related conditions. This variant is not present in population databases (gnomAD no frequency). This sequence change falls in intron 6 of the ABRAXAS1 gene. It does not directly change the encoded amino acid sequence of the ABRAXAS1 protein. It affects a nucleotide within the consensus splice site.

Literature cited by the submitters: PubMed 17576681; PubMed 9536098.

NM_139076.3(ABRAXAS1):c.596+3A>C

Gene: ABRAXAS1 (abraxas 1, BRCA1 A complex subunit; minus strand). Cytogenetic location: 4q21.23.
Variant type: single nucleotide variant.
Coding change: c.596+3A>C on transcript NM_139076.3 (MANE Select); 3 bases into the intron after coding-DNA position 596, A replaced by C.
Molecular consequence: intron variant.
Genome position (GRCh38, 1-based): chr4:83,469,029, T>G on the plus strand (A>C on the coding strand, the complement: ABRAXAS1 is on the minus strand). VCF-style: chr4-83469029-T-G. GRCh37 (hg19) VCF-style: chr4-84390182-T-G.
Other names: c.269+3A>C (NM_001345962.2).
Identifiers: ClinVar variation 1920716 (VCV001920716.5), dbSNP rs1722484259, ClinGen allele CA2578152707.
Genomic context (GRCh38, chr4:83,469,029, plus strand): 5'-AGAAATAAGAAAATTAATTTCAAAGATGAATAGAAGTTTTGTGAGAAAGCAGTTGAATCT[T>G]ACCTGTGTGTTTGTACTGCTCGGCTAAAACCAGTGGACATACAGGAACCTGATACAGTTT-3'